The following is an entry in ClinVar:

NM_001098511.3(KIF2A):c.938G>A (p.Gly313Glu)

Gene: KIF2A (kinesin family member 2A; plus strand). Cytogenetic location: 5q12.1.
Variant type: single nucleotide variant.
Coding change: c.938G>A on transcript NM_001098511.3 (MANE Select); coding-DNA position 938, G replaced by A.
Protein change: p.Gly313Glu; replaces glycine 313 with glutamic acid.
Molecular consequence: missense variant.
Genome position (GRCh38, 1-based): chr5:62,361,307, G>A. VCF-style: chr5-62361307-G-A. GRCh37 (hg19) VCF-style: chr5-61657134-G-A.
Other names: c.857G>A, p.Gly286Glu (NM_001243952.2); c.881G>A, p.Gly294Glu (NM_001243953.2); c.938G>A, p.Gly313Glu (NM_004520.5); short protein forms G313E, G294E, G286E.
Identifiers: ClinVar variation 584429 (VCV000584429.11), dbSNP rs1561273261, ClinGen allele CA359950403.

ClinVar aggregate classification (germline): Likely pathogenic. Review status: criteria provided, multiple submitters, no conflicts (2 of 4 stars). 2 submissions from 2 submitters: Likely pathogenic (2). Last evaluated 2018-06-07.

Conditions:
Complex cortical dysplasia with other brain malformations 3. Identifiers: MedGen C3809414, MONDO:0014170, OMIM 615411.

Submissions (2):

Labcorp Genetics (formerly Invitae), Labcorp
Classification: Likely pathogenic. Last evaluated: 2018-06-07. Review status: criteria provided, single submitter. Criteria: Invitae Variant Classification Sherloc (09022015). Collection method: clinical testing. Allele origin: germline.
Comment: This variant is not present in population databases (ExAC no frequency). Algorithms developed to predict the effect of missense changes on protein structure and function are either unavailable or do not agree on the potential impact of this missense change (SIFT: "Deleterious"; PolyPhen-2: "Probably Damaging"; Align-GVGD: "Class C0"). This sequence change replaces glycine with glutamic acid at codon 313 of the KIF2A protein (p.Gly313Glu). The glycine residue is highly conserved and there is a moderate physicochemical difference between glycine and glutamic acid. In summary, the currently available evidence indicates that the variant is pathogenic, but additional data are needed to prove that conclusively. Therefore, this variant has been classified as Likely Pathogenic.

Undiagnosed Diseases Network, NIH
Classification: Likely pathogenic for Complex cortical dysplasia with other brain malformations 3. Last evaluated: 2018-04-10. Review status: criteria provided, single submitter. Criteria: ACMG Guidelines, 2015. Collection method: clinical testing. Allele origin: de novo. Inheritance: Autosomal dominant inheritance. Affected: yes. Observed: 1 variant allele, 1 heterozygote. Study: Undiagnosed Diseases Network (NIH), UDN.